The following is an entry in ClinVar:

NM_138393.4(REEP6):c.537G>A (p.Pro179=)

Gene: REEP6 (receptor accessory protein 6; plus strand). Cytogenetic location: 19p13.3.
Variant type: single nucleotide variant.
Coding change: c.537G>A on transcript NM_138393.4 (MANE Select); coding-DNA position 537, G replaced by A.
Protein change: p.Pro179=; no amino-acid change (proline 179 retained).
Molecular consequence: synonymous variant.
Genome position (GRCh38, 1-based): chr19:1,497,193, G>A. VCF-style: chr19-1497193-G-A. GRCh37 (hg19) VCF-style: chr19-1497192-G-A.
Other names: c.618G>A, p.Pro206= (NM_001329556.3); c.618G>A (NM_001329556.1).
Identifiers: ClinVar variation 1116950 (VCV001116950.12), dbSNP rs746698415, ClinGen allele CA9047697.

ClinVar aggregate classification (germline): Likely benign. Review status: criteria provided, multiple submitters, no conflicts (2 of 4 stars). 3 submissions from 3 submitters: Likely benign (2). 1 of the submissions does not count toward it. Last evaluated 2025-07-08.

Conditions:
REEP6-related disorder. Also called: REEP6-related condition.

Allele frequency attached by ClinVar (database versions not stated): gnomAD exomes 0.00002; ExAC 0.00005; TOPMed 0.00008; gnomAD 0.00009 and 0.00010.
gnomAD v4.1: 25 of 1,064,824 alleles (0.0023%); highest among the groups gnomAD compares: African/African-American, 0.012%; no homozygotes.

Submissions (3):

Labcorp Genetics (formerly Invitae), Labcorp
Classification: Likely benign. Last evaluated: 2025-07-08. Review status: criteria provided, single submitter. Criteria: Invitae Variant Classification Sherloc (09022015). Collection method: clinical testing. Allele origin: germline.

Blueprint Genetics
Classification: Likely benign. Last evaluated: 2023-11-15. Review status: criteria provided, single submitter. Criteria: ACMG Guidelines, 2015. Collection method: clinical testing. Allele origin: germline.

PreventionGenetics, part of Exact Sciences
Classification: Likely benign for REEP6-related condition. Last evaluated: 2019-06-03. Review status: no assertion criteria provided. Collection method: clinical testing. Allele origin: germline. Not counted in ClinVar's aggregate classification.
Comment: This variant is classified as likely benign based on ACMG/AMP sequence variant interpretation guidelines (Richards et al. 2015 PMID: 25741868, with internal and published modifications).